The following is an entry in ClinVar:

ClinVar aggregate classification (germline): Uncertain significance (1 of 4 stars; one submission).

Submission:

Labcorp Genetics (formerly Invitae), Labcorp
Classification: Uncertain significance. Last evaluated: 2025-04-21. Review status: criteria provided, single submitter. Criteria: Invitae Variant Classification Sherloc (09022015). Collection method: clinical testing. Allele origin: germline.
Comment: This variant, c.1664_1666del, results in the deletion of 1 amino acid(s) of the MICAL1 protein (p.Ser555del), but otherwise preserves the integrity of the reading frame. This variant is not present in population databases (gnomAD no frequency). This variant has not been reported in the literature in individuals affected with MICAL1-related conditions. Experimental studies and prediction algorithms are not available or were not evaluated, and the functional significance of this variant is currently unknown. In summary, the available evidence is currently insufficient to determine the role of this variant in disease. Therefore, it has been classified as a Variant of Uncertain Significance.

NM_022765.4(MICAL1):c.1604CCT[1] (p.Ser536del)

Gene: MICAL1 (microtubule associated monooxygenase, calponin and LIM domain containing 1; minus strand). Cytogenetic location: 6q21.
Variant type: Microsatellite.
Coding change: c.1604CCT[1] on transcript NM_022765.4 (MANE Select); one copy of the 3-base unit CCT starting at c.1604; the reference has two copies in a row; one copy, 3 bases deleted.
Protein change: p.Ser536del; deletes serine 536.
Genome position (GRCh38, 1-based): chr6:109,448,787-109,448,789, AGG deleted on the plus strand (CCT on the coding strand, the reverse complement: MICAL1 is on the minus strand); deleting any 3 consecutive bases within chr6:109,448,787-109,448,793 gives the same sequence; the position shown is the placement nearest the transcript's 3' end. VCF-style (leftmost placement, unchanged base first): chr6-109448786-CAGG-C. GRCh37 (hg19) VCF-style: chr6-109769989-CAGG-C.
Other names: c.1346CCT[1], p.Ser450del (NM_001159291.2); c.1661CCT[1], p.Ser555del (NM_001286613.2); short protein forms S450del, S536del, S555del.
Identifiers: ClinVar variation 4811919 (VCV004811919.1).